The following is an entry in ClinVar:

ClinVar aggregate classification (germline): Pathogenic (1 of 4 stars; one submission).

Conditions:
Hereditary breast ovarian cancer syndrome. Also called: Hereditary breast and ovarian cancer; Hereditary breast and ovarian cancer syndrome (HBOC); Breast and ovarian cancer; Hereditary breast and ovarian cancer syndrome; Hereditary breast and/or ovarian cancer syndrome; BRCA1- and BRCA2-Associated Hereditary Breast and Ovarian Cancer. Identifiers: Orphanet 145, MedGen C0677776, MeSH D061325, MONDO:0003582. Disease mechanism: loss of function.

Submission:

Labcorp Genetics (formerly Invitae), Labcorp
Classification: Pathogenic for Hereditary breast ovarian cancer syndrome. Last evaluated: 2023-11-27. Review status: criteria provided, single submitter. Criteria: Invitae Variant Classification Sherloc (09022015). Collection method: clinical testing. Allele origin: germline.
Comment: This sequence change creates a premature translational stop signal (p.Val1833*) in the BRCA1 gene. While this is not anticipated to result in nonsense mediated decay, it is expected to disrupt the last 31 amino acid(s) of the BRCA1 protein. This variant is not present in population databases (gnomAD no frequency). This variant has not been reported in the literature in individuals affected with BRCA1-related conditions. ClinVar contains an entry for this variant (Variation ID: 1453808). This variant disrupts the C-terminal end of the BRCA1 protein partially including the BRCT domain (residues 1646-1859), which is important for DNA repair activity (PMID: 11573086, 14576433, 15133503, 25652403). While functional studies have not been performed to directly test the effect on BRCA1 protein function, this suggests that disruption of the C-terminal portion of the protein is functionally important. A different truncation (p.Tyr1853*) that lies downstream of this variant has been determined to be pathogenic (PMID: 21922593, 10811118, 11739404, 12400015, 7894493, Invitae). This suggests that variants that disrupt this region of the protein are likely to be causative of disease. For these reasons, this variant has been classified as Pathogenic.

Literature cited by the submitters: PubMed 11573086; PubMed 14576433; PubMed 15133503; PubMed 25652403; PubMed 21922593; PubMed 10811118; PubMed 11739404; PubMed 12400015; PubMed 7894493.

NM_007294.4(BRCA1):c.5497del (p.Val1832_Val1833insTer)

Gene: BRCA1 (BRCA1 DNA repair associated; minus strand). Cytogenetic location: 17q21.31.
Variant type: Deletion.
Coding change: c.5497del on transcript NM_007294.4 (MANE Select); coding-DNA position 5497, one base deleted (G; older notation c.5497delG).
Protein change: p.Val1832_Val1833insTer.
Molecular consequence: nonsense. On other transcripts: frameshift variant (349), 3 prime UTR variant (1), non-coding transcript variant (1).
Genome position (GRCh38, 1-based): chr17:43,045,773, C deleted on the plus strand (G on the coding strand, the reverse complement: BRCA1 is on the minus strand); the first of 2 consecutive C bases (chr17:43,045,773-43,045,774); deleting either gives the same sequence. VCF-style (leftmost placement, unchanged base first): chr17-43045772-AC-A. GRCh37 (hg19) VCF-style: chr17-41197789-AC-A.
Other names: c.5283delG, p.Val1762Terfs (NM_001407571.1, NM_001407894.1, NM_001407895.1 and 12 more transcripts); c.5562delG, p.Val1855Terfs (NM_001407581.1, NM_001407582.1); c.5559delG, p.Val1854Terfs (NM_001407583.1, NM_001407585.1, NM_001407587.1); c.5556delG, p.Val1853Terfs (NM_001407590.1, NM_001407591.1); c.5496delG, p.Val1833Terfs (NM_001407593.1, NM_001407594.1, NM_001407596.1 and 5 more transcripts); c.5493delG, p.Val1832Terfs (NM_001407610.1, NM_001407611.1, NM_001407612.1 and 14 more transcripts); c.5490delG, p.Val1831Terfs (NM_001407627.1, NM_001407628.1, NM_001407629.1 and 13 more transcripts); c.5487delG, p.Val1830Terfs (NM_001407644.1, NM_001407645.1); and 77 more.
Identifiers: ClinVar variation 1453808 (VCV001453808.9), dbSNP rs2152561810, ClinGen allele CA2573153996.